The following is an entry in ClinVar:

ClinVar aggregate classification (germline): Uncertain significance (1 of 4 stars; one submission).

Submission:

Labcorp Genetics (formerly Invitae), Labcorp
Classification: Uncertain significance. Last evaluated: 2023-07-07. Review status: criteria provided, single submitter. Criteria: Invitae Variant Classification Sherloc (09022015). Collection method: clinical testing. Allele origin: unknown.
Comment: In summary, the available evidence is currently insufficient to determine the role of this variant in disease. Therefore, it has been classified as a Variant of Uncertain Significance. This variant has not been reported in the literature in individuals affected with EPS8-related conditions. A copy number gain of the genomic region encompassing the full coding sequence of the EPS8 gene has been identified. The boundaries of this event are unknown as they extend beyond the assayed region for this gene and therefore may encompass additional genes. As the precise location of this event is unknown, it may be in tandem or it may be located elsewhere in the genome.

NC_000012.11:g.(?_15774251)_(15835885_?)dup

Gene: EPS8 (EGFR pathway substrate 8, signaling adaptor; minus strand). Cytogenetic location: 12p12.3.
Variant type: Duplication.
Identifiers: ClinVar variation 3244383 (VCV003244383.1).